The following is an entry in ClinVar:

ClinVar aggregate classification (germline): Uncertain significance (1 of 4 stars; one submission).

Conditions:
Cowden syndrome (CS). Also called: Cowden's disease; Cowden's syndrome; Cowden disease. Identifiers: Orphanet 201, MedGen C0018553, MONDO:0016063. Disease mechanism: gain of function.

Allele frequency attached by ClinVar (database versions not stated): gnomAD 0.00001; gnomAD exomes 0.00001 and 0.00002; TOPMed 0.00002; ExAC 0.00003.
gnomAD v4.1: 22 of 1,610,386 alleles (0.0014%); highest among the groups gnomAD compares: Admixed American, 0.0067%; no homozygotes.

Submission:

Labcorp Genetics (formerly Invitae), Labcorp
Classification: Uncertain significance for Cowden syndrome. Last evaluated: 2023-04-14. Review status: criteria provided, single submitter. Criteria: Invitae Variant Classification Sherloc (09022015). Collection method: clinical testing. Allele origin: germline.
Comment: ClinVar contains an entry for this variant (Variation ID: 403911). This variant has not been reported in the literature in individuals affected with PIK3CA-related conditions. This variant is present in population databases (rs768646872, gnomAD 0.009%). This sequence change replaces methionine, which is neutral and non-polar, with valine, which is neutral and non-polar, at codon 610 of the PIK3CA protein (p.Met610Val). Advanced modeling of protein sequence and biophysical properties (such as structural, functional, and spatial information, amino acid conservation, physicochemical variation, residue mobility, and thermodynamic stability) has been performed at Invitae for this missense variant, however the output from this modeling did not meet the statistical confidence thresholds required to predict the impact of this variant on PIK3CA protein function. In summary, the available evidence is currently insufficient to determine the role of this variant in disease. Therefore, it has been classified as a Variant of Uncertain Significance.

NM_006218.4(PIK3CA):c.1828A>G (p.Met610Val)

Gene: PIK3CA (phosphatidylinositol-4,5-bisphosphate 3-kinase catalytic subunit alpha; plus strand). Cytogenetic location: 3q26.32.
Variant type: single nucleotide variant.
Coding change: c.1828A>G on transcript NM_006218.4 (MANE Select); coding-DNA position 1828, A replaced by G.
Protein change: p.Met610Val; replaces methionine 610 with valine.
Molecular consequence: missense variant.
Genome position (GRCh38, 1-based): chr3:179,219,652, A>G. VCF-style: chr3-179219652-A-G. GRCh37 (hg19) VCF-style: chr3-178937440-A-G.
Other names: c.1828A>G (LRG_310t1); short protein forms M610V.
Identifiers: ClinVar variation 403911 (VCV000403911.12), dbSNP rs768646872, ClinGen allele CA2710812.
Genomic context (GRCh38, chr3:179,219,652, plus strand): 5'-TGGCCTCCAATCAAACCTGAACAGGCTATGGAACTTCTGGACTGTAATTACCCAGATCCT[A>G]TGGTTCGAGGTTTTGCTGTTCGGTGCTTGGAAAAATATTTAACAGATGACAAACTTTCTC-3'
Protein context (NP_006209.2, residues 600-620): ELLDCNYPDP[Met610Val]VRGFAVRCLE